The following is an entry in ClinVar:

NM_001366521.1(ATP2B1):c.1238T>C (p.Ile413Thr)

Gene: ATP2B1 (ATPase plasma membrane Ca2+ transporting 1; minus strand). Cytogenetic location: 12q21.33.
Variant type: single nucleotide variant.
Coding change: c.1238T>C on transcript NM_001366521.1 (MANE Select); coding-DNA position 1238, T replaced by C.
Protein change: p.Ile413Thr; replaces isoleucine 413 with threonine.
Molecular consequence: missense variant. On other transcripts: non-coding transcript variant (3).
Genome position (GRCh38, 1-based): chr12:89,624,289, A>G on the plus strand (T>C on the coding strand, the complement: ATP2B1 is on the minus strand). VCF-style: chr12-89624289-A-G. GRCh37 (hg19) VCF-style: chr12-90018066-A-G.
Other names: c.1238T>C, p.Ile413Thr (NM_001001323.2, NM_001366520.1, NM_001366522.1 and 13 more transcripts); c.1040T>C, p.Ile347Thr (NM_001366530.1, NM_001413053.1); c.677T>C, p.Ile226Thr (NM_001366531.1, NM_001366532.1, NM_001413058.1 and 2 more transcripts); c.1199T>C, p.Ile400Thr (NM_001413048.1); c.1097T>C, p.Ile366Thr (NM_001413051.1, NM_001413052.1, NM_001413055.1); c.983T>C, p.Ile328Thr (NM_001413056.1); c.785T>C, p.Ile262Thr (NM_001413057.1); short protein forms I226T, I262T, I328T, I347T, I366T, I400T, I413T.
Identifiers: ClinVar variation 3365770 (VCV003365770.1).
Genomic context (GRCh38, chr12:89,624,289, plus strand): 5'-TCTGGCACTGCGACCACTAAAACTGTAACTCCAATAATGAAGAACTTCACAAAGTATTGT[A>G]TATAAATTGGTGTGCACTCAGCAAGCCATGGTCTTTTCTGAACCCAGAAGGTGTCAATGA-3'
Protein context (NP_001353450.1, residues 403-423): PWLAECTPIY[Ile413Thr]QYFVKFFIIG

ClinVar aggregate classification (germline): Uncertain significance (1 of 4 stars; one submission).

Submission:

GeneDx
Classification: Uncertain significance. Last evaluated: 2023-12-21. Review status: criteria provided, single submitter. Criteria: GeneDx Variant Classification Process June 2021. Collection method: clinical testing. Allele origin: germline. Affected: yes.
Comment: Has not been previously published as pathogenic or benign to our knowledge; Not observed at significant frequency in large population cohorts (gnomAD); In silico analysis supports that this missense variant does not alter protein structure/function